The following is an entry in ClinVar:

ClinVar aggregate classification (germline): Uncertain significance (1 of 4 stars; one submission).

Conditions:
Familial cold autoinflammatory syndrome 2 (FCAS2). Identifiers: Orphanet 247868, MedGen C2673198, MONDO:0012724, OMIM 611762.

Submission:

Labcorp Genetics (formerly Invitae), Labcorp
Classification: Uncertain significance for Familial cold autoinflammatory syndrome 2. Last evaluated: 2021-12-03. Review status: criteria provided, single submitter. Criteria: Invitae Variant Classification Sherloc (09022015). Collection method: clinical testing. Allele origin: germline.
Comment: This sequence change replaces asparagine, which is neutral and polar, with aspartic acid, which is acidic and polar, at codon 714 of the NLRP12 protein (p.Asn714Asp). In summary, the available evidence is currently insufficient to determine the role of this variant in disease. Therefore, it has been classified as a Variant of Uncertain Significance. Algorithms developed to predict the effect of sequence changes on RNA splicing suggest that this variant may create or strengthen a splice site. Algorithms developed to predict the effect of missense changes on protein structure and function output the following: SIFT: "Tolerated"; PolyPhen-2: "Benign"; Align-GVGD: "Class C0". The aspartic acid amino acid residue is found in multiple mammalian species, which suggests that this missense change does not adversely affect protein function. This variant has not been reported in the literature in individuals affected with NLRP12-related conditions. This variant is not present in population databases (gnomAD no frequency).

NM_144687.4(NLRP12):c.2140A>G (p.Asn714Asp)

Gene: NLRP12 (NLR family pyrin domain containing 12; minus strand). Cytogenetic location: 19q13.42.
Variant type: single nucleotide variant.
Coding change: c.2140A>G on transcript NM_144687.4 (MANE Select); coding-DNA position 2140, A replaced by G.
Protein change: p.Asn714Asp; replaces asparagine 714 with aspartic acid.
Molecular consequence: missense variant.
Genome position (GRCh38, 1-based): chr19:53,807,598, T>C on the plus strand (A>G on the coding strand, the complement: NLRP12 is on the minus strand). VCF-style: chr19-53807598-T-C. GRCh37 (hg19) VCF-style: chr19-54310852-T-C.
Other names: c.2143A>G, p.Asn715Asp (NM_001277126.2); c.2140A>G, p.Asn714Asp (NM_001277129.1); short protein forms N715D, N714D.
Identifiers: ClinVar variation 1428530 (VCV001428530.6), dbSNP rs2122635998, ClinGen allele CA407411332.